The following is an entry in ClinVar:

NM_001267550.2(TTN):c.17869C>G (p.Gln5957Glu)

Gene: TTN (titin; minus strand). Cytogenetic location: 2q31.2.
Variant type: single nucleotide variant.
Coding change: c.17869C>G on transcript NM_001267550.2 (MANE Select); coding-DNA position 17869, C replaced by G.
Protein change: p.Gln5957Glu; replaces glutamine 5957 with glutamic acid.
Molecular consequence: missense variant. On other transcripts: intron variant (3).
Genome position (GRCh38, 1-based): chr2:178,730,664, G>C on the plus strand (C>G on the coding strand, the complement: TTN is on the minus strand). VCF-style: chr2-178730664-G-C. GRCh37 (hg19) VCF-style: chr2-179595391-G-C.
Other names: c.16918C>G, p.Gln5640Glu (NM_001256850.1); c.14137C>G, p.Gln4713Glu (NM_133378.4); c.13282+7418C>G (NM_003319.4); c.13858+7418C>G (NM_133437.4); c.13657+7418C>G (NM_133432.3); short protein forms Q4713E, Q5957E, Q5640E.
Identifiers: ClinVar variation 192025 (VCV000192025.4), dbSNP rs201672969, ClinGen allele CA238132.
Genomic context (GRCh38, chr2:178,730,664, plus strand): 5'-CCAAGAAGGCAGTATTGTCATGAAAAGAGAATTTGTACTTTTCACTAGCTGATATTTCTT[G>C]GTCATCTTTGAACCACTGGATGCTTATGGGATGTGACCCAGCCACTATACATTCTAAATC-3'
Protein context (NP_001254479.2, residues 5947-5967): PISIQWFKDD[Gln5957Glu]EISASEKYKF

ClinVar aggregate classification (germline): Uncertain significance. Review status: criteria provided, multiple submitters, no conflicts (2 of 4 stars). 3 submissions from 3 submitters: Uncertain significance (2). 1 of the submissions does not count toward it. Last evaluated 2016-05-14.

Conditions:
TTN-related disorder. Also called: TTN-related disorders; TTN-related condition; TTN-related disease.
Dilated cardiomyopathy 1G (CMD1G). Identifiers: Orphanet 154, MedGen C1858763, MONDO:0011400, OMIM 604145.
Autosomal recessive limb-girdle muscular dystrophy type 2J (LGMDR10). Also called: Limb-girdle muscular dystrophy, type 2J; MUSCULAR DYSTROPHY, LIMB-GIRDLE, AUTOSOMAL RECESSIVE 10. Identifiers: Orphanet 140922, MedGen C1837342, MONDO:0012127, OMIM 608807.

Allele frequency attached by ClinVar (database versions not stated): gnomAD exomes 0.00002; gnomAD 0.00005 and 0.00006; TOPMed 0.00007.
gnomAD v4.1: 93 of 1,613,468 alleles (0.0058%); highest among the groups gnomAD compares: African/African-American, 0.012%; no homozygotes.

Submissions (3):

Labcorp Genetics (formerly Invitae), Labcorp
Classification: Uncertain significance for Dilated cardiomyopathy 1G; Autosomal recessive limb-girdle muscular dystrophy type 2J. Last evaluated: 2016-05-14. Review status: criteria provided, single submitter. Criteria: Invitae Variant Classification Sherloc (09022015). Collection method: clinical testing. Allele origin: germline.

Biesecker Lab/Clinical Genomics Section, National Institutes of Health
Classification: Uncertain significance. Last evaluated: 2013-06-24. Review status: criteria provided, single submitter. Criteria: Ng et al. (Circ Cardiovasc Genet. 2013). Collection method: research. Allele origin: unknown. Observed: 1 variant allele. Study: ClinSeq.
Comment: The study set was not selected for affection status in relation to any cancer. Pathogenicity categories were based on literature curation. See Pubmed ID:23861362 for details.

Medical sequencing

PreventionGenetics, part of Exact Sciences
Classification: Uncertain significance for TTN-related condition. Last evaluated: 2024-07-09. Review status: no assertion criteria provided. Collection method: clinical testing. Allele origin: germline. Not counted in ClinVar's aggregate classification.
Comment: The TTN c.17869C>G variant is predicted to result in the amino acid substitution p.Gln5957Glu. To our knowledge, this variant has not been reported in the literature. This variant is reported in 0.0083% of alleles in individuals of African descent in gnomAD. At this time, the clinical significance of this variant is uncertain due to the absence of conclusive functional and genetic evidence.